The following is an entry in ClinVar:

NM_006947.4(SRP72):c.104A>G (p.Asn35Ser)

Gene: SRP72 (signal recognition particle 72; plus strand). Cytogenetic location: 4q12.
Variant type: single nucleotide variant.
Coding change: c.104A>G on transcript NM_006947.4 (MANE Select); coding-DNA position 104, A replaced by G.
Protein change: p.Asn35Ser; replaces asparagine 35 with serine.
Molecular consequence: missense variant. On other transcripts: non-coding transcript variant (1).
Genome position (GRCh38, 1-based): chr4:56,467,739, A>G. VCF-style: chr4-56467739-A-G. GRCh37 (hg19) VCF-style: chr4-57333905-A-G.
Other names: c.104A>G (NM_006947.3); c.104A>G, p.Asn35Ser (NM_001267722.2); short protein forms N35S.
Identifiers: ClinVar variation 1491964 (VCV001491964.7), dbSNP rs1404176833, ClinGen allele CA356995705.
Genomic context (GRCh38, chr4:56,467,739, plus strand): 5'-GGAGTGAAGTGAACCGGTATGGCCAGAACGGCGACTTCACGCGCGCTCTCAAGACCGTCA[A>G]TAAGAGTAAGTGTCGGGGTGGGCACTGGGGCGGGCCCAGGCCGGCTGGAGGATGCGGCCT-3'
Protein context (NP_008878.3, residues 25-45): GDFTRALKTV[Asn35Ser]KILQINKDDV

ClinVar aggregate classification (germline): Uncertain significance. Review status: criteria provided, multiple submitters, no conflicts (2 of 4 stars). 2 submissions from 2 submitters: Uncertain significance (2). Last evaluated 2025-03-09.

Allele frequency attached by ClinVar (database versions not stated): gnomAD exomes below 0.00001; TOPMed below 0.00001.
gnomAD v4.1: 2 of 1,536,576 alleles (0.00013%); highest among the groups gnomAD compares: East Asian, 0.0026%; no homozygotes.

Submissions (2):

Ambry Genetics
Classification: Uncertain significance. Last evaluated: 2025-03-09. Review status: criteria provided, single submitter. Criteria: Ambry Variant Classification Scheme 2023. Collection method: clinical testing. Allele origin: germline.
Comment: The p.N35S variant (also known as c.104A>G), located in coding exon 1 of the SRP72 gene, results from an A to G substitution at nucleotide position 104. The asparagine at codon 35 is replaced by serine, an amino acid with highly similar properties. This amino acid position is conserved. In addition, this alteration is predicted to be tolerated by in silico analysis. Based on the available evidence, the clinical significance of this variant remains unclear.

Labcorp Genetics (formerly Invitae), Labcorp
Classification: Uncertain significance. Last evaluated: 2021-12-01. Review status: criteria provided, single submitter. Criteria: Invitae Variant Classification Sherloc (09022015). Collection method: clinical testing. Allele origin: germline.
Comment: This sequence change replaces asparagine, which is neutral and polar, with serine, which is neutral and polar, at codon 35 of the SRP72 protein (p.Asn35Ser). This variant is not present in population databases (gnomAD no frequency). In summary, the available evidence is currently insufficient to determine the role of this variant in disease. Therefore, it has been classified as a Variant of Uncertain Significance. Algorithms developed to predict the effect of sequence changes on RNA splicing suggest that this variant may create or strengthen a splice site. Algorithms developed to predict the effect of missense changes on protein structure and function (SIFT, PolyPhen-2, Align-GVGD) all suggest that this variant is likely to be tolerated. This variant has not been reported in the literature in individuals affected with SRP72-related conditions.